The following is an entry in ClinVar:

ClinVar aggregate classification (germline): Likely benign (1 of 4 stars; one submission).

gnomAD v4.1: 53 of 1,612,214 alleles (0.0033%); highest among the groups gnomAD compares: African/African-American, 0.0053%; no homozygotes.

Submission:

CeGaT Center for Human Genetics Tuebingen
Classification: Likely benign. Last evaluated: 2025-06-01. Review status: criteria provided, single submitter. Criteria: CeGaT Center For Human Genetics Tuebingen Variant Classification Criteria Version 2. Collection method: clinical testing. Allele origin: germline. Affected: yes. Observed: 1 variant allele.
Comment: RAD21: PP2, BS2

NM_006265.3(RAD21):c.1145A>G (p.Asn382Ser)

Gene: RAD21 (RAD21 cohesin complex component; minus strand). Cytogenetic location: 8q24.11.
Variant type: single nucleotide variant.
Coding change: c.1145A>G on transcript NM_006265.3 (MANE Select); coding-DNA position 1145, A replaced by G.
Protein change: p.Asn382Ser; replaces asparagine 382 with serine.
Molecular consequence: missense variant.
Genome position (GRCh38, 1-based): chr8:116,854,261, T>C on the plus strand (A>G on the coding strand, the complement: RAD21 is on the minus strand). VCF-style: chr8-116854261-T-C. GRCh37 (hg19) VCF-style: chr8-117866500-T-C.
Other names: short protein forms N382S.
Identifiers: ClinVar variation 3905605 (VCV003905605.10).
Genomic context (GRCh38, chr8:116,854,261, plus strand): 5'-TGCTCAAAATGTATATGAAGTAAAAATTCTGCAAACTATATTACCTTCAGTAGTCTGTTA[T>C]TCCACAAAGGCTGAGCAGGTAAAGAAAACAGTTTTTCTACTCCTCCTGTCTCTTTCCACA-3'
Protein context (NP_006256.1, residues 372-392): LFSLPAQPLW[Asn382Ser]NRLLKLFTRC